The following is an entry in ClinVar:

ClinVar aggregate classification (germline): Uncertain significance (1 of 4 stars; one submission).

Conditions:
Lynch syndrome 5 (LYNCH5). Also called: Hereditary non-polyposis colorectal cancer, type 5; Colorectal cancer, hereditary nonpolyposis, type 5. Identifiers: Orphanet 144, MedGen C1833477, MONDO:0013710, OMIM 614350. Disease mechanism: loss of function.

gnomAD v4.1: 1 of 1,609,944 alleles (0.000062%); highest among the groups gnomAD compares: Non-Finnish European, 0.000085%; no homozygotes.

Submission:

Institute for Clinical Genetics, University Hospital TU Dresden, University Hospital TU Dresden
Classification: Uncertain significance for Lynch syndrome 5. Last evaluated: 2025-03-31. Review status: criteria provided, single submitter. Criteria: ACMG Guidelines, 2015. Collection method: clinical testing. Allele origin: germline. Affected: no.
Comment: PM2_SUP, BP4.

NM_000179.3(MSH6):c.4037A>T (p.Asp1346Val)

Gene: MSH6 (mutS homolog 6; plus strand). Cytogenetic location: 2p16.3.
Variant type: single nucleotide variant.
Coding change: c.4037A>T on transcript NM_000179.3 (MANE Select); coding-DNA position 4037, A replaced by T.
Protein change: p.Asp1346Val; replaces aspartic acid 1346 with valine.
Molecular consequence: missense variant. On other transcripts: non-coding transcript variant (5), 3 prime UTR variant (5).
Genome position (GRCh38, 1-based): chr2:47,806,814, A>T. VCF-style: chr2-47806814-A-T. GRCh37 (hg19) VCF-style: chr2-48033953-A-T.
Other names: c.3740A>T, p.Asp1247Val (NM_001406827.1, NM_001406828.1, NM_001406830.1 and 8 more transcripts); c.3131A>T, p.Asp1044Val (NM_001406829.1, NM_001281493.2, NM_001281494.2 and 6 more transcripts); c.818A>T, p.Asp273Val (NM_001406831.1); c.884A>T, p.Asp295Val (NM_001406832.1); c.1982A>T, p.Asp661Val (NM_001407362.1); c.3647A>T, p.Asp1216Val (NM_001281492.2); c.4133A>T, p.Asp1378Val (NM_001406795.1); c.4037A>T, p.Asp1346Val (NM_001406796.1, NM_001406809.1); and 9 more; short protein forms D1044V, D1058V, D1171V, D1216V, D1247V, D1288V, D1290V, D1320V.
Identifiers: ClinVar variation 4850100 (VCV004850100.1).
Genomic context (GRCh38, chr2:47,806,814, plus strand): 5'-TTTTTTTTTTTTTTTTAATTTTAAGGGAAGTTTGCCTGGCTAGTGAAAGGTCAACTGTAG[A>T]TGCTGAAGCTGTCCATAAATTGCTGACTTTGATTAAGGAATTATAGACTGACTACATTGG-3'
Protein context (NP_000170.1, residues 1336-1356): VCLASERSTV[Asp1346Val]AEAVHKLLTL